The following is an entry in ClinVar:

NM_000548.5(TSC2):c.1596G>A (p.Glu532=)

Gene: TSC2 (TSC complex subunit 2; plus strand). Cytogenetic location: 16p13.3.
Variant type: single nucleotide variant.
Coding change: c.1596G>A on transcript NM_000548.5 (MANE Select); coding-DNA position 1596, G replaced by A.
Protein change: p.Glu532=; no amino-acid change (glutamic acid 532 retained).
Molecular consequence: synonymous variant.
Genome position (GRCh38, 1-based): chr16:2,064,424, G>A. VCF-style: chr16-2064424-G-A. GRCh37 (hg19) VCF-style: chr16-2114425-G-A.
Other names: c.1596G>A, p.Glu532= (NM_001077183.3, NM_001114382.3, NM_001363528.2 and 3 more transcripts); c.1485G>A, p.Glu495= (NM_001318827.2); c.1449G>A, p.Glu483= (NM_001318829.2); c.996G>A, p.Glu332= (NM_001318831.2); c.1629G>A, p.Glu543= (NM_001318832.2).
Identifiers: ClinVar variation 760197 (VCV000760197.38), dbSNP rs756466484, ClinGen allele CA031176.

ClinVar aggregate classification (germline): Conflicting classifications of pathogenicity. Review status: criteria provided, conflicting classifications (1 of 4 stars). 5 submissions from 5 submitters: Uncertain significance (1); Benign (1); Likely benign (3). Last evaluated 2026-06-01.

Conditions:
Hereditary cancer-predisposing syndrome. Also called: Hereditary Cancer Syndrome; Tumor predisposition; Hereditary neoplastic syndrome; Neoplastic Syndromes, Hereditary. Identifiers: Orphanet 140162, MedGen C0027672, MeSH D009386, MONDO:0015356.
Tuberous sclerosis syndrome (TSC). Also called: Tuberous sclerosis; Tuberous Sclerosis Complex. Identifiers: Orphanet 805, MedGen C0041341, MONDO:0001734.
Tuberous sclerosis 2 (TSC2). Identifiers: Orphanet 805, MedGen C1860707, MONDO:0013199, OMIM 613254.

Allele frequency attached by ClinVar (database versions not stated): TOPMed below 0.00001; gnomAD 0.00001; gnomAD exomes 0.00001 and 0.00002; ExAC 0.00002.
gnomAD v4.1: 8 of 1,613,346 alleles (0.0005%); highest among the groups gnomAD compares: Non-Finnish European, 0.00017%; no homozygotes.

Submissions (5):

CeGaT Center for Human Genetics Tuebingen
Classification: Likely benign. Last evaluated: 2026-06-01. Review status: criteria provided, single submitter. Criteria: CeGaT Center For Human Genetics Tuebingen Variant Classification Criteria Version 2. Collection method: clinical testing. Allele origin: germline. Affected: yes. Observed: 2 variant alleles.
Comment: TSC2: BP4, BP7

Labcorp Genetics (formerly Invitae), Labcorp
Classification: Likely benign for Tuberous sclerosis 2. Last evaluated: 2025-10-13. Review status: criteria provided, single submitter. Criteria: Invitae Variant Classification Sherloc (09022015). Collection method: clinical testing. Allele origin: germline.

Myriad Genetics, Inc.
Classification: Benign for Tuberous sclerosis 2. Last evaluated: 2025-05-14. Review status: criteria provided, single submitter. Criteria: Myriad Autosomal Dominant, Autosomal Recessive and X-Linked Classification Criteria (2023). Collection method: clinical testing. Allele origin: unknown.
Comment: This variant is considered benign. This variant is a silent/synonymous amino acid change and it is not expected to impact splicing.

All of Us Research Program, National Institutes of Health
Classification: Uncertain significance for Tuberous sclerosis syndrome. Last evaluated: 2023-08-23. Review status: criteria provided, single submitter. Criteria: ACMG Guidelines, 2015. Collection method: clinical testing. Allele origin: germline. Inheritance: Autosomal dominant inheritance. Observed: 1 variant allele, 1 heterozygote.
Comment: This variant is located in the TSC2 protein. To our knowledge, functional studies have not been reported for this variant. This variant has not been reported in individuals affected with TSC2-related disorders in the literature. This variant has been identified in 5/282356 chromosomes in the general population by the Genome Aggregation Database (gnomAD). The available evidence is insufficient to determine the role of this variant in disease conclusively. Therefore, this variant is classified as a Variant of Uncertain Significance.

This study involves interpretation of variants in research participants for the purpose of population health screening. Participant phenotype was not available at the time of variant classification. Additional details can be found in publication PMID: 35346344, PMCID: PMC8962531

Ambry Genetics
Classification: Likely benign for Hereditary cancer-predisposing syndrome. Last evaluated: 2015-07-26. Review status: criteria provided, single submitter. Criteria: Ambry Variant Classification Scheme 2023. Collection method: clinical testing. Allele origin: germline.